The following is an entry in ClinVar:

NM_001374736.1(DST):c.18439C>T (p.Gln6147Ter)

Gene: DST (dystonin; minus strand). Cytogenetic location: 6p12.1.
Variant type: single nucleotide variant.
Coding change: c.18439C>T on transcript NM_001374736.1 (MANE Select); coding-DNA position 18439, C replaced by T.
Protein change: p.Gln6147Ter; replaces glutamine 6147 with a stop codon.
Molecular consequence: nonsense.
Genome position (GRCh38, 1-based): chr6:56,515,587, G>A on the plus strand (C>T on the coding strand, the complement: DST is on the minus strand). VCF-style: chr6-56515587-G-A. GRCh37 (hg19) VCF-style: chr6-56380385-G-A.
Other names: c.12082C>T, p.Gln4028Ter (NM_001144769.5); c.11668C>T, p.Gln3890Ter (NM_001144770.2); c.18439C>T, p.Gln6147Ter (NM_001374722.1); c.17479C>T, p.Gln5827Ter (NM_001374729.1); c.11221C>T, p.Gln3741Ter (NM_001374730.1); c.18466C>T, p.Gln6156Ter (NM_001374734.1); c.11548C>T, p.Gln3850Ter (NM_001386100.1, NM_183380.4); c.10570C>T, p.Gln3524Ter (NM_015548.5); short protein forms Q3524*, Q3741*, Q3890*, Q5827*, Q3850*, Q6156*, Q4028*, Q6147*.
Identifiers: ClinVar variation 1451280 (VCV001451280.6), dbSNP rs2152486042, ClinGen allele CA364503285.

ClinVar aggregate classification (germline): Pathogenic (1 of 4 stars; one submission).

Conditions:
Hereditary sensory and autonomic neuropathy type 6. Also called: HSAN VI; Neuropathy, hereditary sensory and autonomic, type VI. Identifiers: Orphanet 314381, MedGen C3539003, MONDO:0013839, OMIM 614653.
Epidermolysis bullosa simplex 3, localized or generalized intermediate, with BP230 deficiency (EBS3). Also called: Epidermolysis bullosa simplex, autosomal recessive 2; Epidermolysis bullosa simplex due to BP230 deficiency. Identifiers: Orphanet 412181, MedGen C3809470, MONDO:0014180, OMIM 615425.

Submission:

Labcorp Genetics (formerly Invitae), Labcorp
Classification: Pathogenic for Epidermolysis bullosa simplex 3, localized or generalized intermediate, with BP230 deficiency; Hereditary sensory and autonomic neuropathy type 6. Last evaluated: 2021-07-29. Review status: criteria provided, single submitter. Criteria: Invitae Variant Classification Sherloc (09022015). Collection method: clinical testing. Allele origin: germline.
Comment: For these reasons, this variant has been classified as Pathogenic. This variant has not been reported in the literature in individuals affected with DST-related conditions. This variant is not present in population databases (ExAC no frequency). This sequence change creates a premature translational stop signal (p.Gln3524*) in the DST gene. It is expected to result in an absent or disrupted protein product. The DST gene has multiple clinically relevant transcripts. This variant occurs in alternate transcript NM_015548.4, and corresponds to NM_001723.5:c.*99930C>T in the primary transcript. It is expected to result in an absent or disrupted protein product. Loss-of-function variants in DST are known to be pathogenic (PMID: 22522446, 25059916, 30371979).

Literature cited by the submitters: PubMed 22522446; PubMed 25059916; PubMed 30371979.